The following is an entry in ClinVar:

NC_000002.11:g.(?_32339687)_(32372347_?)dup

Gene: SPAST (spastin; plus strand). Cytogenetic location: 2p22.3.
Variant type: Duplication.
Identifiers: ClinVar variation 2426013 (VCV002426013.4).

ClinVar aggregate classification (germline): Likely pathogenic (1 of 4 stars; one submission).

Conditions:
Hereditary spastic paraplegia 4. Also called: Spastic paraplegia 4, autosomal dominant; Spastic Paraplegia 4; Familial spastic paraplegia autosomal dominant 2. Identifiers: Orphanet 100985, MedGen C1866855, MONDO:0008438, OMIM 182601.

Submission:

Labcorp Genetics (formerly Invitae), Labcorp
Classification: Likely pathogenic for Hereditary spastic paraplegia 4. Last evaluated: 2022-07-25. Review status: criteria provided, single submitter. Criteria: Invitae Variant Classification Sherloc (09022015). Collection method: clinical testing. Allele origin: germline.
Comment: In summary, the currently available evidence indicates that the variant is pathogenic, but additional data are needed to prove that conclusively. Therefore, this variant has been classified as Likely Pathogenic. This variant results in a copy number gain of the genomic region encompassing exon(s) 5-16 of the SPAST gene. While the exact position of this variant cannot be determined from the data, sub-genic copy number gains are generally in tandem (PMID: 25640679). This variant is predicted to be out-of-frame, and may result in an absent or disrupted protein product. Loss-of-function variants in SPAST are known to be pathogenic (PMID: 20932283). A similar copy number variant has been observed in individual(s) with clinical features of SPAST-related conditions (PMID: 30476002).

Literature cited by the submitters: PubMed 25640679; PubMed 20932283; PubMed 30476002.